The following is an entry in ClinVar:

NM_001267550.2(TTN):c.1758_1763delinsT (p.Glu586fs)

Gene: TTN (titin; minus strand). Cytogenetic location: 2q31.2.
Variant type: Indel.
Coding change: c.1758_1763delinsT on transcript NM_001267550.2 (MANE Select); coding-DNA positions 1758 to 1763, AACTAC replaced by T.
Protein change: p.Glu586fs; shifts the reading frame from glutamic acid 586.
Molecular consequence: frameshift variant. On other transcripts: intron variant (3).
Genome position (GRCh38, 1-based): chr2:178,790,745-178,790,750, GTAGTT replaced by A on the plus strand (AACTAC replaced by T on the coding strand, the reverse complement: TTN is on the minus strand). VCF-style: chr2-178790745-GTAGTT-A. GRCh37 (hg19) VCF-style: chr2-179655472-GTAGTT-A.
Other names: c.1758_1763delinsT, p.Glu586fs (NM_001256850.1, NM_133378.4, NM_133379.5); c.1663-635_1663-630delinsT (NM_003319.4, NM_133437.4, NM_133432.3); short protein forms E586fs.
Identifiers: ClinVar variation 202437 (VCV000202437.2), dbSNP rs794729311, ClinGen allele CA309396.

ClinVar aggregate classification (germline): Likely pathogenic. Review status: criteria provided, single submitter (1 of 4 stars). 2 submissions from 2 submitters: Likely pathogenic (1). 1 of the submissions does not count toward it. Last evaluated 2014-02-21.

Conditions:
Dilated cardiomyopathy 1G (CMD1G). Identifiers: Orphanet 154, MedGen C1858763, MONDO:0011400, OMIM 604145.

Submissions (2):

GeneDx
Classification: Likely pathogenic. Last evaluated: 2014-02-21. Review status: criteria provided, single submitter. Criteria: GeneDx Variant Classification (06012015). Collection method: clinical testing. Allele origin: germline. Affected: yes.
Comment: c.1758_1763delinsT: p.Glu586AspfsX12 (E586DfsX12) in exon 11 of the TTN gene (NM_001256850.1). The normal sequence with the bases that are deleted in braces and inserted in brackets is: AAGA{AACTAC}[T]CACA.The c.1758_1763delAACTACinsT variant in the TTN gene has not been reported previously as a disease-causing mutation or as a benign polymorphism, to our knowledge. This variant causes a shift in reading frame starting at codon Glutamic acid 586, changing it to an Aspartic acid, and creating a premature stop codon at position 12 of the new reading frame, denoted p.Glu586AspfsX12. This variant is expected to result in either an abnormal, truncated protein product or loss of protein from this allele through nonsense-mediated mRNA decay. However, c.1758_1763delAACTACinsT is not located in the A-band region of titin, where the majority of truncating mutations associated with DCM have been reported (Herman D et al., 2012). Other truncating TTN variants have been reported in approximately 3% of control alleles (Herman D et al., 2012). Therefore, c.1758_1763delAACTACinsT is a good candidate for a disease-causing mutation. The variant is found in DCM-CRDM panel(s).

Cardiogenetics and Myogenetics Molecular and Cellular Functional Unit, Aphp Sorbonne University-Hopital Pitie Salpetriere
Classification: Likely pathogenic for Dilated cardiomyopathy 1G. Last evaluated: 2024-01-06. Review status: no assertion criteria provided. Collection method: clinical testing. Allele origin: germline. Affected: yes. Not counted in ClinVar's aggregate classification.